The following is an entry in ClinVar:

NM_015896.4(ZMYND10):c.863G>A (p.Arg288Gln)

Gene: ZMYND10 (zinc finger MYND-type containing 10; minus strand). Cytogenetic location: 3p21.31.
Variant type: single nucleotide variant.
Coding change: c.863G>A on transcript NM_015896.4 (MANE Select); coding-DNA position 863, G replaced by A.
Protein change: p.Arg288Gln; replaces arginine 288 with glutamine.
Molecular consequence: missense variant.
Genome position (GRCh38, 1-based): chr3:50,342,407, C>T on the plus strand (G>A on the coding strand, the complement: ZMYND10 is on the minus strand). VCF-style: chr3-50342407-C-T. GRCh37 (hg19) VCF-style: chr3-50379838-C-T.
Other names: c.848G>A, p.Arg283Gln (NM_001308379.2); short protein forms R288Q, R283Q.
Identifiers: ClinVar variation 1490887 (VCV001490887.6), dbSNP rs767713937, ClinGen allele CA2417070.

ClinVar aggregate classification (germline): Uncertain significance (1 of 4 stars; one submission).

Conditions:
Primary ciliary dyskinesia. Also called: Ciliary dyskinesia. Identifiers: Orphanet 244, MedGen C0008780, MONDO:0016575, HP:0012265.

Allele frequency attached by ClinVar (database versions not stated): TOPMed below 0.00001; ExAC 0.00003.
gnomAD v4.1: 10 of 1,580,622 alleles (0.00063%); highest among the groups gnomAD compares: Middle Eastern, 0.034%; no homozygotes.

Submission:

Labcorp Genetics (formerly Invitae), Labcorp
Classification: Uncertain significance for Primary ciliary dyskinesia. Last evaluated: 2022-06-20. Review status: criteria provided, single submitter. Criteria: Invitae Variant Classification Sherloc (09022015). Collection method: clinical testing. Allele origin: germline.
Comment: In summary, the available evidence is currently insufficient to determine the role of this variant in disease. Therefore, it has been classified as a Variant of Uncertain Significance. Algorithms developed to predict the effect of missense changes on protein structure and function output the following: SIFT: "Tolerated"; PolyPhen-2: "Benign"; Align-GVGD: "Class C0". The glutamine amino acid residue is found in multiple mammalian species, which suggests that this missense change does not adversely affect protein function. This variant has not been reported in the literature in individuals affected with ZMYND10-related conditions. The frequency data for this variant in the population databases is considered unreliable, as metrics indicate poor data quality at this position in the gnomAD database. This sequence change replaces arginine, which is basic and polar, with glutamine, which is neutral and polar, at codon 288 of the ZMYND10 protein (p.Arg288Gln).